The following is an entry in ClinVar:

NM_183380.4(DST):c.-128T>C

Gene: DST (dystonin; minus strand). Cytogenetic location: 6p12.1.
Variant type: single nucleotide variant.
Coding change: c.-128T>C on transcript NM_183380.4; 128 bases upstream of the start codon, T replaced by C.
Genome position (GRCh38, 1-based): chr6:56,843,273, A>G on the plus strand (T>C on the coding strand, the complement: DST is on the minus strand). VCF-style: chr6-56843273-A-G. GRCh37 (hg19) VCF-style: chr6-56708071-A-G.
Other names: c.-128T>C (NM_001374729.1, NM_001374730.1, NM_001386100.1); c.625+8124T>C (NM_001144769.5, NM_001374722.1, NM_001374736.1); c.652+8124T>C (NM_001374734.1); c.211+8124T>C (NM_001144770.2).
Identifiers: ClinVar variation 1691792 (VCV001691792.2), dbSNP rs79944930, ClinGen allele CA139714311.
Genomic context (GRCh38, chr6:56,843,273, plus strand): 5'-CAGTCAGCAAGACACAGCCTTGGGAACTGGAAAAGAGGAAGGAGCAGCACGCTGGGGAGA[A>G]GCACGGAAGCCGAAGACGCAGAGCGGGGGCGCAGGGGGCTGCCGGCGCCAGGGCCGGCAA-3'

ClinVar aggregate classification (germline): Likely benign (1 of 4 stars; one submission).

Allele frequency attached by ClinVar (database versions not stated): gnomAD exomes 0.00088; gnomAD 0.01000 and 0.01081; 1000 Genomes Project 0.01058; TOPMed 0.01116; 1000 Genomes Project 30x 0.01171.
gnomAD v4.1: 2,494 of 1,253,528 alleles (0.2%); highest among the groups gnomAD compares: African/African-American, 3.6%; 51 homozygotes.

Submission:

GeneDx
Classification: Likely benign. Last evaluated: 2021-12-14. Review status: criteria provided, single submitter. Criteria: GeneDx Variant Classification Process June 2021. Collection method: clinical testing. Allele origin: germline. Affected: yes.
Comment: See Variant Classification Assertion Criteria.